The following is an entry in ClinVar:

ClinVar aggregate classification (germline): Pathogenic. Review status: criteria provided, single submitter (1 of 4 stars). 2 submissions from 2 submitters: Pathogenic (1). 1 of the submissions does not count toward it. Last evaluated 2024-09-16.

Conditions:
CDKL5 disorder. Identifiers: MedGen CN296942, MONDO:0100039.
Developmental and epileptic encephalopathy, 2 (DEE2). Also called: INFANTILE SPASM SYNDROME, X-LINKED 2; CDKL5 deficiency disorder. Identifiers: Orphanet 1934, Orphanet 3451, Orphanet 505652, MedGen C4750718, MONDO:0010396, OMIM 300672.

Submissions (2):

Centre for Population Genomics, CPG
Classification: Pathogenic for CDKL5 disorder. Last evaluated: 2024-09-16. Review status: criteria provided, single submitter. Criteria: McKnight et al. (Hum Mutat. 2022). Collection method: curation. Allele origin: germline. Inheritance: X-linked inheritance.
Comment: This variant has been collected from RettBASE and curated to current modified ACMG/AMP criteria. Based on the classification scheme defined by the ClinGen Rett/Angelman-like Expert Panel for Rett/AS-like Disorders Specifications to the ACMG/AMP Variant Interpretation Guidelines VCEP 3.0, this variant is classified as pathogenic. At least the following criteria are met: Predicted to result in loss of function, and LOF is a known mechanism of disease (PVS1). This variant has been identified as a de novo occurrence in an individual with CDKL5 disorder without confirmation of paternity and maternity (PM6, PMID: 22812903). This variant is absent from gnomAD (PM2_Supporting).

RettBASE
Classification: Pathogenic for Epileptic encephalopathy, early infantile, 2. Last evaluated: 2014-03-13. Review status: no assertion criteria provided. Collection method: curation. Allele origin: de novo. Affected: yes. Observed: 1 variant allele. Not counted in ClinVar's aggregate classification.
Comment: Disrupts splice site but effect on transcript uncertain

Literature cited by the submitters: PubMed 22812903 (cited by RettBASE).

NM_001323289.2(CDKL5):c.2277-2A>G

Gene: CDKL5 (cyclin dependent kinase like 5; plus strand). Cytogenetic location: Xp22.13.
Variant type: single nucleotide variant.
Coding change: c.2277-2A>G on transcript NM_001323289.2 (MANE Select); the canonical splice acceptor site of the intron before coding-DNA position 2277, A replaced by G.
Molecular consequence: splice acceptor variant.
Genome position (GRCh38, 1-based): chrX:18,619,865, A>G. VCF-style: chrX-18619865-A-G. GRCh37 (hg19) VCF-style: chrX-18637985-A-G.
Other names: c.2277-2A>G (NM_003159.3, NM_001037343.2).
Identifiers: ClinVar variation 189571 (VCV000189571.3), dbSNP rs786204979, ClinGen allele CA199389.